The following is an entry in ClinVar:

NM_198578.4(LRRK2):c.6844-1G>A

Gene: LRRK2 (leucine rich repeat kinase 2; plus strand). Cytogenetic location: 12q12.
Variant type: single nucleotide variant.
Coding change: c.6844-1G>A on transcript NM_198578.4 (MANE Select); the canonical splice acceptor site of the intron before coding-DNA position 6844, G replaced by A.
Molecular consequence: splice acceptor variant.
Genome position (GRCh38, 1-based): chr12:40,359,259, G>A. VCF-style: chr12-40359259-G-A. GRCh37 (hg19) VCF-style: chr12-40753061-G-A.
Identifiers: ClinVar variation 1711339 (VCV001711339.30), dbSNP rs2500011801, ClinGen allele CA384411209.
Genomic context (GRCh38, chr12:40,359,259, plus strand): 5'-TGGAGTTTTGTTCTGTGGATACTCAATTTGCTGAGTGTGTTTTCTTTTTTTTTTGGCAAA[G>A]CTTAAAGGAGCTGCTCCTTTGAAGATACTAAATATAGGAAATGTCAGTACTCCATTGATG-3'

ClinVar aggregate classification (germline): Uncertain significance (1 of 4 stars; one submission).

gnomAD v4.1: 1 of 1,602,010 alleles (0.000062%); no homozygotes.

Submission:

CeGaT Center for Human Genetics Tuebingen
Classification: Uncertain significance. Last evaluated: 2022-08-01. Review status: criteria provided, single submitter. Criteria: CeGaT Center For Human Genetics Tuebingen Variant Classification Criteria Version 2. Collection method: clinical testing. Allele origin: germline. Affected: yes. Observed: 1 variant allele.
Comment: LRRK2: PM2